The following is an entry in ClinVar:

ClinVar aggregate classification (germline): Uncertain significance (1 of 4 stars; one submission).

Conditions:
Hereditary cancer-predisposing syndrome. Also called: Neoplastic Syndromes, Hereditary; Tumor predisposition; Hereditary Cancer Syndrome; Hereditary neoplastic syndrome. Identifiers: Orphanet 140162, MedGen C0027672, MeSH D009386, MONDO:0015356.

Submission:

Ambry Genetics
Classification: Uncertain significance for Hereditary cancer-predisposing syndrome. Last evaluated: 2020-09-30. Review status: criteria provided, single submitter. Criteria: Ambry Variant Classification Scheme 2023. Collection method: clinical testing. Allele origin: germline.
Comment: The p.E738D variant (also known as c.2214G>C), located in coding exon 13 of the ATM gene, results from a G to C substitution at nucleotide position 2214. The glutamic acid at codon 738 is replaced by aspartic acid, an amino acid with highly similar properties. This amino acid position is well conserved in available vertebrate species. In addition, this alteration is predicted to be tolerated by in silico analysis. Since supporting evidence is limited at this time, the clinical significance of this alteration remains unclear.

NM_000051.4(ATM):c.2214G>C (p.Glu738Asp)

Gene: ATM (ATM serine/threonine kinase; plus strand). Cytogenetic location: 11q22.3.
Variant type: single nucleotide variant.
Coding change: c.2214G>C on transcript NM_000051.4 (MANE Select); coding-DNA position 2214, G replaced by C.
Protein change: p.Glu738Asp; replaces glutamic acid 738 with aspartic acid.
Molecular consequence: missense variant.
Genome position (GRCh38, 1-based): chr11:108,256,304, G>C. VCF-style: chr11-108256304-G-C. GRCh37 (hg19) VCF-style: chr11-108127031-G-C.
Other names: c.2214G>C, p.Glu738Asp (NM_001351834.2); short protein forms E738D.
Identifiers: ClinVar variation 1787815 (VCV001787815.2), dbSNP rs1565395061, ClinGen allele CA382539074.